The following is an entry in ClinVar:

ClinVar aggregate classification (germline): Uncertain significance (1 of 4 stars; one submission).

Allele frequency attached by ClinVar (database versions not stated): gnomAD exomes below 0.00001.
gnomAD v4.1: 2 of 1,612,422 alleles (0.00012%); highest among the groups gnomAD compares: South Asian, 0.0011%; no homozygotes.

Submission:

Labcorp Genetics (formerly Invitae), Labcorp
Classification: Uncertain significance. Last evaluated: 2022-01-13. Review status: criteria provided, single submitter. Criteria: Invitae Variant Classification Sherloc (09022015). Collection method: clinical testing. Allele origin: germline.
Comment: In summary, the available evidence is currently insufficient to determine the role of this variant in disease. Therefore, it has been classified as a Variant of Uncertain Significance. Algorithms developed to predict the effect of sequence changes on RNA splicing suggest that this variant may create or strengthen a splice site. This variant has not been reported in the literature in individuals affected with CAPN5-related conditions. This variant is not present in population databases (gnomAD no frequency). This sequence change falls in intron 4 of the CAPN5 gene. It does not directly change the encoded amino acid sequence of the CAPN5 protein.

NM_004055.5(CAPN5):c.506+19C>T

Gene: CAPN5 (calpain 5; plus strand). Cytogenetic location: 11q13.5.
Variant type: single nucleotide variant.
Coding change: c.506+19C>T on transcript NM_004055.5 (MANE Select); 19 bases into the intron after coding-DNA position 506, C replaced by T.
Molecular consequence: intron variant.
Genome position (GRCh38, 1-based): chr11:77,112,816, C>T. VCF-style: chr11-77112816-C-T. GRCh37 (hg19) VCF-style: chr11-76823862-C-T.
Identifiers: ClinVar variation 1438916 (VCV001438916.8), dbSNP rs2135475048, ClinGen allele CA2573147772.
Genomic context (GRCh38, chr11:77,112,816, plus strand): 5'-CAATGAGTTTTGGTGCGCCCTAGTGGAGAAGGCCTATGCCAAGTAGGTGCCAGCAGCAGG[C>T]AGGTGGGTGGGAGGCCCAGACGGGGGTGGCACCGGATGGGCTCCTCGTGGTATTCCGTTA-3'